The following is an entry in ClinVar:

ClinVar aggregate classification (germline): Uncertain significance (1 of 4 stars; one submission).

gnomAD v4.1: 1 of 1,613,926 alleles (0.000062%); highest among the groups gnomAD compares: Non-Finnish European, 0.000085%; no homozygotes.

Submission:

Labcorp Genetics (formerly Invitae), Labcorp
Classification: Uncertain significance. Last evaluated: 2022-04-07. Review status: criteria provided, single submitter. Criteria: Invitae Variant Classification Sherloc (09022015). Collection method: clinical testing. Allele origin: germline.
Comment: In summary, the available evidence is currently insufficient to determine the role of this variant in disease. Therefore, it has been classified as a Variant of Uncertain Significance. Algorithms developed to predict the effect of missense changes on protein structure and function output the following: SIFT: "Tolerated"; PolyPhen-2: "Benign"; Align-GVGD: "Class C0". The isoleucine amino acid residue is found in multiple mammalian species, which suggests that this missense change does not adversely affect protein function. This variant has not been reported in the literature in individuals affected with C1S-related conditions. This variant is not present in population databases (gnomAD no frequency). This sequence change replaces threonine, which is neutral and polar, with isoleucine, which is neutral and non-polar, at codon 77 of the C1S protein (p.Thr77Ile).

NM_001734.5(C1S):c.230C>T (p.Thr77Ile)

Gene: C1S (complement C1s; plus strand). Cytogenetic location: 12p13.31.
Variant type: single nucleotide variant.
Coding change: c.230C>T on transcript NM_001734.5 (MANE Select); coding-DNA position 230, C replaced by T.
Protein change: p.Thr77Ile; replaces threonine 77 with isoleucine.
Molecular consequence: missense variant. On other transcripts: 5 prime UTR variant (1).
Genome position (GRCh38, 1-based): chr12:7,062,906, C>T. VCF-style: chr12-7062906-C-T. GRCh37 (hg19) VCF-style: chr12-7170210-C-T.
Other names: c.-272C>T (NM_001346850.2); c.230C>T, p.Thr77Ile (NM_201442.4); short protein forms T77I.
Identifiers: ClinVar variation 2122564 (VCV002122564.4), dbSNP rs2539594058, ClinGen allele CA383688806.
Genomic context (GRCh38, chr12:7,062,906, plus strand): 5'-ATATTACCCTTTCCTAGATTTTTTTTTTGTGACTCTTCTCTTAGATAATCTCAGGAGACA[C>T]TGAAGAAGGGAGGCTCTGTGGACAGAGGAGCAGTAACAATCCCCACTCTCCAATTGTGGA-3'
Protein context (NP_001725.1, residues 67-87): YDSVQIISGD[Thr77Ile]EEGRLCGQRS